The following is an entry in ClinVar:

ClinVar aggregate classification (germline): Uncertain significance (1 of 4 stars; one submission).

Conditions:
Focal segmental glomerulosclerosis 5 (FSGS5). Identifiers: Orphanet 656, MedGen C2750475, MONDO:0013191, OMIM 613237.
Charcot-Marie-Tooth disease dominant intermediate E. Also called: CHARCOT-MARIE-TOOTH NEUROPATHY WITH FOCAL SEGMENTAL GLOMERULONEPHRITIS. Identifiers: Orphanet 93114, MedGen C4302667, MONDO:0013758, OMIM 614455.

Submission:

Labcorp Genetics (formerly Invitae), Labcorp
Classification: Uncertain significance for Charcot-Marie-Tooth disease dominant intermediate E; Focal segmental glomerulosclerosis 5. Last evaluated: 2025-06-12. Review status: criteria provided, single submitter. Criteria: Invitae Variant Classification Sherloc (09022015). Collection method: clinical testing. Allele origin: germline.
Comment: This sequence change creates a premature translational stop signal (p.Pro472Glnfs*86) in the INF2 gene. It is expected to result in an absent or disrupted protein product. However, the current clinical and genetic evidence is not sufficient to establish whether loss-of-function variants in INF2 cause disease. The frequency data for this variant in the population databases is considered unreliable, as metrics indicate poor data quality at this position in the gnomAD database. This variant has not been reported in the literature in individuals affected with INF2-related conditions. ClinVar contains an entry for this variant (Variation ID: 1418310). In summary, the available evidence is currently insufficient to determine the role of this variant in disease. Therefore, it has been classified as a Variant of Uncertain Significance.

NM_022489.4(INF2):c.1415del (p.Pro472fs)

Gene: INF2 (inverted formin 2; plus strand). Cytogenetic location: 14q32.33.
Variant type: Deletion.
Coding change: c.1415del on transcript NM_022489.4 (MANE Select); coding-DNA position 1415, one base deleted (C; older notation c.1415delC).
Protein change: p.Pro472fs; shifts the reading frame from proline 472.
Molecular consequence: frameshift variant.
Genome position (GRCh38, 1-based): chr14:104,707,682, C deleted; the last of 7 consecutive C bases (chr14:104,707,676-104,707,682); deleting any one gives the same sequence. VCF-style (leftmost placement, unchanged base first): chr14-104707675-GC-G. GRCh37 (hg19) VCF-style: chr14-105174012-GC-G.
Other names: c.1415del, p.Pro472fs (NM_001031714.4); short protein forms P472fs.
Identifiers: ClinVar variation 1418310 (VCV001418310.6), dbSNP rs2140669082, ClinGen allele CA488716079.